The following is an entry in ClinVar:

ClinVar aggregate classification (germline): Uncertain significance. Review status: criteria provided, multiple submitters, no conflicts (2 of 4 stars). 2 submissions from 2 submitters: Uncertain significance (2). Last evaluated 2023-08-08.

Conditions:
Hereditary cancer-predisposing syndrome. Also called: Neoplastic Syndromes, Hereditary; Tumor predisposition; Hereditary Cancer Syndrome; Hereditary neoplastic syndrome. Identifiers: Orphanet 140162, MedGen C0027672, MeSH D009386, MONDO:0015356.
Endometrial carcinoma. Also called: Endometrial carcinoma, somatic. Identifiers: MedGen C0476089, MONDO:0002447, OMIM 608089, HP:0012114.

Submissions (2):

Baylor Genetics
Classification: Uncertain significance for Endometrial carcinoma. Last evaluated: 2023-08-08. Review status: criteria provided, single submitter. Criteria: ACMG Guidelines, 2015. Collection method: clinical testing. Allele origin: unknown.

Color Diagnostics, LLC DBA Color Health
Classification: Uncertain significance for Hereditary cancer-predisposing syndrome. Last evaluated: 2021-11-16. Review status: criteria provided, single submitter. Criteria: ACMG Guidelines, 2015. Collection method: clinical testing. Allele origin: germline.
Comment: This variant is located in the MSH6 protein. To our knowledge, functional studies have not been reported for this variant. This variant has not been reported in individuals affected with hereditary cancer in the literature. This variant has not been identified in the general population by the Genome Aggregation Database (gnomAD). The available evidence is insufficient to determine the role of this variant in disease conclusively. Therefore, this variant is classified as a Variant of Uncertain Significance.

NM_000179.3(MSH6):c.3083_3085del (p.Ser1028del)

Gene: MSH6 (mutS homolog 6; plus strand). Cytogenetic location: 2p16.3.
Variant type: Deletion.
Coding change: c.3083_3085del on transcript NM_000179.3 (MANE Select); coding-DNA positions 3083 to 3085, 3 bases deleted (CAT; older notation c.3083_3085delCAT).
Protein change: p.Ser1028del; deletes serine 1028.
Molecular consequence: non-coding transcript variant (on NR_176256.1). On other transcripts: intron variant (2).
Genome position (GRCh38, 1-based): chr2:47,801,066-47,801,068, CAT deleted; deleting any 3 consecutive bases within chr2:47,801,064-47,801,068 gives the same sequence; the c. name uses the placement nearest the transcript's 3' end. VCF-style (leftmost placement, unchanged base first): chr2-47801063-TATC-T. GRCh37 (hg19) VCF-style: chr2-48028202-TATC-T.
Other names: c.2693_2695del, p.Ser898del (NM_001281492.2); c.2177_2179del, p.Ser726del (NM_001281493.2, NM_001281494.2, NM_001406811.1 and 6 more transcripts); c.3179_3181del, p.Ser1060del (NM_001406795.1, NM_001406802.1); c.3083_3085del, p.Ser1028del (NM_001406796.1, NM_001406798.1, NM_001406800.1 and 2 more transcripts); c.2786_2788del, p.Ser929del (NM_001406797.1, NM_001406801.1, NM_001406805.1 and 10 more transcripts); c.2558_2560del, p.Ser853del (NM_001406799.1, NM_001406806.1, NM_001406807.1); c.3005_3007del, p.Ser1002del (NM_001406804.1); c.3089_3091del, p.Ser1030del (NM_001406813.1); and 4 more; short protein forms S1002del, S1028del, S1030del, S1060del, S343del, S726del, S853del, S898del.
Identifiers: ClinVar variation 2676801 (VCV002676801.3), dbSNP rs2530712466, ClinGen allele CA2695200622.